The following is an entry in ClinVar:

ClinVar aggregate classification (germline): Pathogenic (1 of 4 stars; one submission).

Conditions:
Birt-Hogg-Dube syndrome. Also called: Birt Hogg Dubé syndrome. Identifiers: Orphanet 122, MedGen C0346010, MONDO:0800444.

Submission:

Labcorp Genetics (formerly Invitae), Labcorp
Classification: Pathogenic for Birt-Hogg-Dube syndrome. Last evaluated: 2023-12-11. Review status: criteria provided, single submitter. Criteria: Invitae Variant Classification Sherloc (09022015). Collection method: clinical testing. Allele origin: germline.
Comment: This sequence change creates a premature translational stop signal (p.Thr270Asnfs*22) in the FLCN gene. It is expected to result in an absent or disrupted protein product. Loss-of-function variants in FLCN are known to be pathogenic (PMID: 15852235). This variant is not present in population databases (gnomAD no frequency). This variant has not been reported in the literature in individuals affected with FLCN-related conditions. ClinVar contains an entry for this variant (Variation ID: 835373). For these reasons, this variant has been classified as Pathogenic.

Literature cited by the submitters: PubMed 15852235.

NM_144997.7(FLCN):c.808dup (p.Thr270fs)

Gene: FLCN (folliculin; minus strand). Cytogenetic location: 17p11.2.
Variant type: Duplication.
Coding change: c.808dup on transcript NM_144997.7 (MANE Select); coding-DNA position 808, one base duplicated (A; older notation c.808dupA).
Protein change: p.Thr270fs; shifts the reading frame from threonine 270.
Molecular consequence: frameshift variant.
Genome position (GRCh38, 1-based): chr17:17,221,600, T duplicated on the plus strand (A on the coding strand, the reverse complement: FLCN is on the minus strand). VCF-style (leftmost placement, unchanged base first): chr17-17221599-G-GT. GRCh37 (hg19) VCF-style: chr17-17124913-G-GT.
Other names: c.862dup, p.Thr288fs (NM_001353229.2); c.808dup, p.Thr270fs (NM_001353230.2, NM_001353231.2, NM_144606.7); short protein forms T288fs, T270fs.
Identifiers: ClinVar variation 835373 (VCV000835373.7), dbSNP rs2047092163, ClinGen allele CA916081872.
Genomic context (GRCh38, chr17:17,221,599, plus strand): 5'-GCGAGCTTCTCCATCTGGACCAAGGTATCCTCGGTCGGAGCACCTTCCAGGAGCTTCTCG[G>GT]TCAGCCGGCTGCCACACGCCTTCAGGAGCCTGGAGAACACAGCACCAGCTATGAGCGTTC-3'